The following is an entry in ClinVar:

NM_130384.3(ATRIP):c.217C>T (p.Gln73Ter)

Genes: ATRIP (ATR interacting protein; plus strand), ATRIP-TREX1 (ATRIP-TREX1 readthrough; plus strand). Cytogenetic location: 3p21.31.
Variant type: single nucleotide variant.
Coding change: c.217C>T on transcript NM_130384.3 (MANE Select); coding-DNA position 217, C replaced by T.
Protein change: p.Gln73Ter; replaces glutamine 73 with a stop codon.
Molecular consequence: nonsense. On other transcripts: non-coding transcript variant (1), intron variant (1).
Genome position (GRCh38, 1-based): chr3:48,447,062, C>T. VCF-style: chr3-48447062-C-T. GRCh37 (hg19) VCF-style: chr3-48488466-C-T.
Other names: c.-218+263C>T (NM_001271022.2); c.217C>T, p.Gln73Ter (NM_032166.4); c.217C>T (NM_130384.1); short protein forms Q73*.
Identifiers: ClinVar variation 3008925 (VCV003008925.4), dbSNP rs148174212, ClinGen allele CA2375905.

ClinVar aggregate classification (germline): Uncertain significance. Review status: criteria provided, multiple submitters, no conflicts (2 of 4 stars). 2 submissions from 2 submitters: Uncertain significance (2). Last evaluated 2024-12-17.

Allele frequency attached by ClinVar (database versions not stated): ExAC 0.00001; ESP Exome Variant Server 0.00008.
gnomAD v4.1: 21 of 1,558,218 alleles (0.0013%); highest among the groups gnomAD compares: East Asian, 0.0026%; no homozygotes.

Submissions (2):

Ambry Genetics
Classification: Uncertain significance. Last evaluated: 2024-12-17. Review status: criteria provided, single submitter. Criteria: Ambry Variant Classification Scheme 2023. Collection method: clinical testing. Allele origin: germline.
Comment: The p.Q73* variant (also known as c.217C>T), located in coding exon 1 of the ATRIP gene, results from a C to T substitution at nucleotide position 217. This changes the amino acid from a glutamine to a stop codon within coding exon 1. This alteration is expected to result in loss of function by premature protein truncation or nonsense-mediated mRNA decay. The evidence for this gene-disease relationship is limited; therefore, the clinical significance of this alteration is unclear.

Labcorp Genetics (formerly Invitae), Labcorp
Classification: Uncertain significance. Last evaluated: 2023-01-25. Review status: criteria provided, single submitter. Criteria: Invitae Variant Classification Sherloc (09022015). Collection method: clinical testing. Allele origin: germline.
Comment: This sequence change creates a premature translational stop signal (p.Gln73*) in the ATRIP gene. It is expected to result in an absent or disrupted protein product. However, the current clinical and genetic evidence is not sufficient to establish whether loss-of-function variants in ATRIP cause disease. This variant is present in population databases (rs148174212, gnomAD 0.002%). This variant has not been reported in the literature in individuals affected with ATRIP-related conditions. In summary, the available evidence is currently insufficient to determine the role of this variant in disease. Therefore, it has been classified as a Variant of Uncertain Significance.